The following is an entry in ClinVar:

NM_004415.4(DSP):c.665G>A (p.Arg222Gln)

Gene: DSP (desmoplakin; plus strand). Cytogenetic location: 6p24.3.
Variant type: single nucleotide variant.
Coding change: c.665G>A on transcript NM_004415.4 (MANE Select); coding-DNA position 665, G replaced by A.
Protein change: p.Arg222Gln; replaces arginine 222 with glutamine.
Molecular consequence: missense variant.
Genome position (GRCh38, 1-based): chr6:7,562,719, G>A. VCF-style: chr6-7562719-G-A. GRCh37 (hg19) VCF-style: chr6-7562952-G-A.
Other names: c.665G>A (NM_004415.3, LRG_423t1); c.665G>A, p.Arg222Gln (NM_001008844.3, NM_001319034.2); short protein forms R222Q.
Identifiers: ClinVar variation 583063 (VCV000583063.17), dbSNP rs377749481, ClinGen allele CA048165.
Genomic context (GRCh38, chr6:7,562,719, plus strand): 5'-TGGACATGGTGGCCTGGGGTGTGGACCTGGCCTCAGTGGAGCAGCACATTAACAGCCACC[G>A]GGGCATCCACAACTCCATCGGCGACTATCGCTGGCAGCTGGACAAAATCAAAGCCGACCT-3'
Protein context (NP_004406.2, residues 212-232): ASVEQHINSH[Arg222Gln]GIHNSIGDYR

ClinVar aggregate classification (germline): Conflicting classifications of pathogenicity. Review status: criteria provided, conflicting classifications (1 of 4 stars). 4 submissions from 4 submitters: Uncertain significance (3); Likely benign (1). Last evaluated 2026-08-31.

Conditions:
Arrhythmogenic cardiomyopathy with wooly hair and keratoderma. Also called: Dilated cardiomyopathy with woolly hair and keratoderma; Arrhythmogenic cardiomyopathy with woolly hair and keratoderma; PALMOPLANTAR KERATODERMA WITH LEFT VENTRICULAR CARDIOMYOPATHY AND WOOLLY HAIR; Carvajal syndrome. Identifiers: Orphanet 65282, MedGen C1854063, MONDO:0011581, OMIM 605676.
Arrhythmogenic right ventricular dysplasia 8 (ARVD8). Also called: Arrhythmogenic Right Ventricular Dysplasia/Cardiomyopathy 8; ARRHYTHMOGENIC RIGHT VENTRICULAR DYSPLASIA, FAMILIAL, 8; ARRHYTHMOGENIC RIGHT VENTRICULAR CARDIOMYOPATHY 8. Identifiers: MedGen C1843896, MONDO:0011831, OMIM 607450.
DSP-related disorder. Also called: DSP-related condition; DSP-related disorders.
Cardiovascular phenotype. Identifiers: MedGen CN230736.
Cardiomyopathy (CMYO). Also called: Cardiomyopathies. Identifiers: Orphanet 167848, MedGen C0878544, MONDO:0004994, HP:0001638. Inheritance: Various modes of inheritance.

Allele frequency attached by ClinVar (database versions not stated): gnomAD 0.00003; TOPMed 0.00003; ESP Exome Variant Server 0.00008.
gnomAD v4.1: 19 of 1,613,992 alleles (0.0012%); highest among the groups gnomAD compares: African/African-American, 0.0067%; no homozygotes.

Submissions (4):

PreventionGenetics, part of Exact Sciences
Classification: Uncertain significance for DSP-related condition. Last evaluated: 2026-08-31. Review status: criteria provided, single submitter. Criteria: ACMG Guidelines, 2015. Collection method: clinical testing. Allele origin: germline.
Comment: The DSP c.665G>A variant is predicted to result in the amino acid substitution p.Arg222Gln. To our knowledge, this variant has not been reported in the literature. This variant is reported in 0.0040% of alleles in individuals of African descent in gnomAD. At this time, the clinical significance of this variant is uncertain due to the absence of conclusive functional and genetic evidence.

Labcorp Genetics (formerly Invitae), Labcorp
Classification: Likely benign for Arrhythmogenic cardiomyopathy with wooly hair and keratoderma; Arrhythmogenic right ventricular dysplasia 8. Last evaluated: 2025-12-16. Review status: criteria provided, single submitter. Criteria: Invitae Variant Classification Sherloc (09022015). Collection method: clinical testing. Allele origin: germline.

Ambry Genetics
Classification: Uncertain significance for Cardiovascular phenotype. Last evaluated: 2025-08-20. Review status: criteria provided, single submitter. Criteria: Ambry Variant Classification Scheme 2023. Collection method: clinical testing. Allele origin: germline.
Comment: The p.R222Q variant (also known as c.665G>A), located in coding exon 5 of the DSP gene, results from a G to A substitution at nucleotide position 665. The arginine at codon 222 is replaced by glutamine, an amino acid with highly similar properties. This amino acid position is conserved. In addition, the in silico prediction for this alteration is inconclusive. Since supporting evidence is limited at this time, the clinical significance of this alteration remains unclear.

Color Diagnostics, LLC DBA Color Health
Classification: Uncertain significance for Cardiomyopathy. Last evaluated: 2023-12-13. Review status: criteria provided, single submitter. Criteria: ACMG Guidelines, 2015. Collection method: clinical testing. Allele origin: germline.
Comment: This missense variant replaces arginine with glutamine at codon 222 of the DSP protein. Computational prediction suggests that this variant may not impact protein structure and function (internally defined REVEL score threshold <= 0.5, PMID: 27666373). To our knowledge, functional studies have not been reported for this variant. This variant has not been reported in individuals affected with cardiovascular disorders in the literature. This variant has been identified in 4/282798 chromosomes in the general population by the Genome Aggregation Database (gnomAD). The available evidence is insufficient to determine the role of this variant in disease conclusively. Therefore, this variant is classified as a Variant of Uncertain Significance.